The following is an entry in ClinVar:

ClinVar aggregate classification (germline): Uncertain significance (1 of 4 stars; one submission).

Submission:

Labcorp Genetics (formerly Invitae), Labcorp
Classification: Uncertain significance. Last evaluated: 2025-03-30. Review status: criteria provided, single submitter. Criteria: Invitae Variant Classification Sherloc (09022015). Collection method: clinical testing. Allele origin: germline.
Comment: This sequence change replaces glycine, which is neutral and non-polar, with alanine, which is neutral and non-polar, at codon 1750 of the POLE protein (p.Gly1750Ala). This variant is not present in population databases (gnomAD no frequency). This variant has not been reported in the literature in individuals affected with POLE-related conditions. Invitae Evidence Modeling of protein sequence and biophysical properties (such as structural, functional, and spatial information, amino acid conservation, physicochemical variation, residue mobility, and thermodynamic stability) has been performed for this missense variant. However, the output from this modeling did not meet the statistical confidence thresholds required to predict the impact of this variant on POLE protein function. In summary, the available evidence is currently insufficient to determine the role of this variant in disease. Therefore, it has been classified as a Variant of Uncertain Significance.

NM_006231.4(POLE):c.5249G>C (p.Gly1750Ala)

Gene: POLE (DNA polymerase epsilon, catalytic subunit; minus strand). Cytogenetic location: 12q24.33.
Variant type: single nucleotide variant.
Coding change: c.5249G>C on transcript NM_006231.4 (MANE Select); coding-DNA position 5249, G replaced by C.
Protein change: p.Gly1750Ala; replaces glycine 1750 with alanine.
Molecular consequence: missense variant.
Genome position (GRCh38, 1-based): chr12:132,641,776, C>G on the plus strand (G>C on the coding strand, the complement: POLE is on the minus strand). VCF-style: chr12-132641776-C-G. GRCh37 (hg19) VCF-style: chr12-133218362-C-G.
Other names: short protein forms G1750A.
Identifiers: ClinVar variation 4732431 (VCV004732431.1).
Genomic context (GRCh38, chr12:132,641,776, plus strand): 5'-ATCATGTCCTCCAGGGAGGCCTGCTGGATCACGTCGAAGCTGATCCCCATGCTGTCGGCC[C>G]CCTCCATGTCGTTGACATGGTGAGACTGGAGAATGGTGTTGACGGCCAGGTTCTGAAGGT-3'
Protein context (NP_006222.2, residues 1740-1760): LQSHHVNDME[Gly1750Ala]ADSMGISFDV